The following is an entry in ClinVar:

NM_004230.4(S1PR2):c.197C>T (p.Ser66Leu)

Gene: S1PR2 (sphingosine-1-phosphate receptor 2; minus strand). Cytogenetic location: 19p13.2.
Variant type: single nucleotide variant.
Coding change: c.197C>T on transcript NM_004230.4 (MANE Select); coding-DNA position 197, C replaced by T.
Protein change: p.Ser66Leu; replaces serine 66 with leucine.
Molecular consequence: missense variant.
Genome position (GRCh38, 1-based): chr19:10,224,709, G>A on the plus strand (C>T on the coding strand, the complement: S1PR2 is on the minus strand). VCF-style: chr19-10224709-G-A. GRCh37 (hg19) VCF-style: chr19-10335385-G-A.
Other names: short protein forms S66L.
Identifiers: ClinVar variation 4981759 (VCV004981759.1).

ClinVar aggregate classification (germline): Uncertain significance (1 of 4 stars; one submission).

Conditions:
S1PR2-related disorder. Also called: S1PR2-related condition.

gnomAD v4.1: 40 of 1,614,104 alleles (0.0025%); highest among the groups gnomAD compares: African/African-American, 0.021%; no homozygotes.

Submission:

PreventionGenetics, part of Exact Sciences
Classification: Uncertain significance for S1PR2-related condition. Last evaluated: 2025-04-01. Review status: criteria provided, single submitter. Criteria: ACMG Guidelines, 2015. Collection method: clinical testing. Allele origin: germline.
Comment: The S1PR2 c.197C>T variant is predicted to result in the amino acid substitution p.Ser66Leu. To our knowledge, this variant has not been reported in the literature. This variant is reported in 0.013% of alleles in individuals of South Asian descent in gnomAD. At this time, the clinical significance of this variant is uncertain due to the absence of conclusive functional and genetic evidence.